The following is an entry in ClinVar:

NM_000701.8(ATP1A1):c.344A>G (p.Tyr115Cys)

Gene: ATP1A1 (ATPase Na+/K+ transporting subunit alpha 1; plus strand). Cytogenetic location: 1p13.1.
Variant type: single nucleotide variant.
Coding change: c.344A>G on transcript NM_000701.8 (MANE Select); coding-DNA position 344, A replaced by G.
Protein change: p.Tyr115Cys; replaces tyrosine 115 with cysteine.
Molecular consequence: missense variant.
Genome position (GRCh38, 1-based): chr1:116,387,448, A>G. VCF-style: chr1-116387448-A-G. GRCh37 (hg19) VCF-style: chr1-116930070-A-G.
Other names: c.344A>G, p.Tyr115Cys (NM_001160233.2); c.251A>G, p.Tyr84Cys (NM_001160234.2); short protein forms Y115C, Y84C.
Identifiers: ClinVar variation 4867125 (VCV004867125.1).
Genomic context (GRCh38, chr1:116,387,448, plus strand): 5'-AGCTCTTTGGGGGGTTCTCAATGTTACTGTGGATTGGAGCGATTCTTTGTTTCTTGGCTT[A>G]TAGCATCCAAGCTGCTACAGAAGAGGAACCTCAAAACGATAATGTGAGTTCTGTAATTCA-3'
Protein context (NP_000692.2, residues 105-125): WIGAILCFLA[Tyr115Cys]SIQAATEEEP

ClinVar aggregate classification (germline): Uncertain significance (1 of 4 stars; one submission).

Conditions:
Inborn genetic diseases. Identifiers: MedGen C0950123, MeSH D030342.

Submission:

Ambry Genetics
Classification: Uncertain significance for Inborn genetic diseases. Last evaluated: 2026-04-02. Review status: criteria provided, single submitter. Criteria: Ambry Variant Classification Scheme 2023. Collection method: clinical testing. Allele origin: germline.
Comment: The c.344A>G (p.Y115C) alteration is located in exon 4 (coding exon 4) of the ATP1A1 gene. This alteration results from a A to G substitution at nucleotide position 344, causing the tyrosine (Y) at amino acid position 115 to be replaced by a cysteine (C). This variant was not reported in population-based cohorts in the Genome Aggregation Database (gnomAD). This amino acid position is highly conserved in available vertebrate species. This missense variant is located in a region that has a low rate of benign missense variation (Lek, 2016; Firth, 2009). This alteration is predicted to be deleterious by in silico analysis. Based on insufficient or conflicting evidence, the clinical significance of this alteration remains unclear.